The following is an entry in ClinVar:

NM_001009944.3(PKD1):c.11716dup (p.Cys3906fs)

Gene: PKD1 (polycystin 1, transient receptor potential channel interacting; minus strand). Cytogenetic location: 16p13.3.
Variant type: Duplication.
Coding change: c.11716dup on transcript NM_001009944.3 (MANE Select); coding-DNA position 11716, one base duplicated (T; older notation c.11716dupT).
Protein change: p.Cys3906fs; shifts the reading frame from cysteine 3906.
Molecular consequence: frameshift variant.
Genome position (GRCh38, 1-based): chr16:2,091,171, A duplicated on the plus strand (T on the coding strand, the reverse complement: PKD1 is on the minus strand). VCF-style (leftmost placement, unchanged base first): chr16-2091170-C-CA. GRCh37 (hg19) VCF-style: chr16-2141171-C-CA.
Other names: c.11713dup, p.Cys3905fs (NM_000296.4); short protein forms C3905fs, C3906fs.
Identifiers: ClinVar variation 3335840 (VCV003335840.2).

ClinVar aggregate classification (germline): Pathogenic (1 of 4 stars; one submission).

Conditions:
Polycystic kidney disease, adult type (PKD1). Also called: Polycystic Kidney, Autosomal Dominant; POLYCYSTIC KIDNEY DISEASE 1 WITH OR WITHOUT POLYCYSTIC LIVER DISEASE; POLYCYSTIC KIDNEY DISEASE, ADULT, TYPE I; Polycystic Kidney Disease 1, Autosomal Dominant; Polycystic kidney disease 1; Polycystic kidney disease 1, severe. Identifiers: MedGen C3149841, MONDO:0008263, OMIM 173900.

Submission:

Juno Genomics, Hangzhou Juno Genomics, Inc
Classification: Pathogenic for Polycystic kidney disease, adult type. Review status: criteria provided, single submitter. Criteria: ACMG Guidelines, 2015. Collection method: clinical testing. Allele origin: germline. Affected: yes.
Comment: Absent from controls (or at extremely low frequency if recessive) in Genome Aggregation Database, Exome Sequencing Project, 1000 Genomes Project, or Exome Aggregation Consortium.;Null variant in a gene where loss of function (LOF) is a known mechanism of disease.;The prevalence of the variant in affected individuals is significantly increased compared to the prevalence in controls.;Patient's phenotype or family history is highly specific for a disease with a single genetic etiology.